The following is an entry in ClinVar:

NM_020117.11(LARS1):c.2816A>G (p.Tyr939Cys)

Gene: LARS1 (leucyl-tRNA synthetase 1; minus strand). Cytogenetic location: 5q32.
Variant type: single nucleotide variant.
Coding change: c.2816A>G on transcript NM_020117.11 (MANE Select); coding-DNA position 2816, A replaced by G.
Protein change: p.Tyr939Cys; replaces tyrosine 939 with cysteine.
Molecular consequence: missense variant.
Genome position (GRCh38, 1-based): chr5:146,128,736, T>C on the plus strand (A>G on the coding strand, the complement: LARS1 is on the minus strand). VCF-style: chr5-146128736-T-C. GRCh37 (hg19) VCF-style: chr5-145508299-T-C.
Other names: c.2678A>G, p.Tyr893Cys (NM_001317964.2); c.2654A>G, p.Tyr885Cys (NM_001317965.2); c.2735A>G, p.Tyr912Cys (NM_016460.4); short protein forms Y939C, Y893C, Y912C, Y885C.
Identifiers: ClinVar variation 418282 (VCV000418282.2), dbSNP rs757195926, ClinGen allele CA3489217.

ClinVar aggregate classification (germline): Likely pathogenic (1 of 4 stars; one submission).

Allele frequency attached by ClinVar (database versions not stated): gnomAD exomes 0.00001 and 0.00005; ExAC 0.00002; gnomAD 0.00005 and 0.00006; TOPMed 0.00005.
gnomAD v4.1: 27 of 1,601,816 alleles (0.0017%); highest among the groups gnomAD compares: Admixed American, 0.023%; no homozygotes.

Submission:

GeneDx
Classification: Likely pathogenic. Last evaluated: 2014-09-03. Review status: criteria provided, single submitter. Criteria: GeneDx Variant Classification (06012015). Collection method: clinical testing. Allele origin: germline. Affected: yes.
Comment: A novel Y939C variant that is likely pathogenic was identified in the LARS gene. It has not been published as a pathogenic variant, nor has it been reported as a benign polymorphism to our knowledge. The Y939C variant is a non-conservative amino acid substitution, which is likely to impact secondary protein structure as these residues differ in polarity, charge, size and/or other properties. This substitution occurs at a position that is conserved across species. In silico analysis is inconsistent in its predictions as to whether or not the variant is damaging to the protein structure/function. This is a strong candidate for a pathogenic variant, however the possibility that it is a benign variant cannot be excluded.